The following is an entry in ClinVar:

NM_001199107.2(TBC1D24):c.1008del (p.His336fs)

Gene: TBC1D24 (TBC1 domain family member 24; plus strand). Cytogenetic location: 16p13.3.
Variant type: Deletion.
Coding change: c.1008del on transcript NM_001199107.2 (MANE Select); coding-DNA position 1008, one base deleted (T; older notation c.1008delT).
Protein change: p.His336fs; shifts the reading frame from histidine 336.
Molecular consequence: frameshift variant.
Genome position (GRCh38, 1-based): chr16:2,498,262, T deleted. VCF-style (leftmost placement, unchanged base first): chr16-2498261-AT-A. GRCh37 (hg19) VCF-style: chr16-2548262-AT-A.
Other names: c.990del, p.His330fs (NM_020705.3); c.1008del (NM_001199107.1); c.1008delT (NM_001199107.2); short protein forms H330fs, H336fs.
Identifiers: ClinVar variation 91398 (VCV000091398.74), dbSNP rs398122967, ClinGen allele CA319081.

ClinVar aggregate classification (germline): Pathogenic. Review status: criteria provided, multiple submitters, no conflicts (2 of 4 stars). 21 submissions from 21 submitters: Pathogenic (18). 3 of the submissions do not count toward it. Last evaluated 2025-11-03.

Conditions:
Monogenic hearing loss.
TBC1D24-related disorder. Also called: TBC1D24-related disorders; TBC1D24-related condition. Identifiers: MedGen CN381194.
Developmental and epileptic encephalopathy, 1 (DEE1). Also called: INFANTILE SPASM SYNDROME, X-LINKED 1; X-linked infantile spasms; West's syndrome; Tonic spasms with clustering, arrest of psychomotor development and hypsarrhythmia on EEG; X-Linked Infantile Spasm Syndrome; OHTAHARA SYNDROME, X-LINKED. Identifiers: MedGen C3463992, MONDO:0010632, OMIM 308350. Disease mechanism: loss of function.
Autosomal dominant nonsyndromic hearing loss 65. Also called: TBC1D24-Related Autosomal Dominant Nonsyndromic Hearing Loss (DFNA); Deafness, autosomal dominant 65. Identifiers: Orphanet 90635, MedGen C3892048, MONDO:0014470, OMIM 616044.
Inborn genetic diseases. Identifiers: MedGen C0950123, MeSH D030342.
Developmental and epileptic encephalopathy, 16 (DEE16). Also called: TBC1D24-Related Developmental and Epileptic Encephalopathy (DEE); Early infantile epileptic encephalopathy 16. Identifiers: Orphanet 293181, Orphanet 352596, MedGen C3809173, MONDO:0014133, OMIM 615338.
DOORS syndrome (DOORS). Also called: DOOR SYNDROME; DEAFNESS, ONYCHODYSTROPHY, OSTEODYSTROPHY, IMPAIRED INTELLECTUAL DEVELOPMENT, AND SEIZURES SYNDROME; DOORS Syndrome (Deafness, Onychodystrophy, Osteodystrophy, Mental Retardation, and Seizures); Digitorenocerebral syndrome; DRC SYNDROME; BRACHYDACTYLY DUE TO ABSENCE OF DISTAL PHALANGES. Identifiers: Orphanet 3231, Orphanet 79500, MedGen C0795934, MONDO:0009079, OMIM 220500. Disease mechanism: loss of function.

Allele frequency attached by ClinVar (database versions not stated): gnomAD 0.00005; gnomAD exomes 0.00007; TOPMed 0.00007; ExAC 0.00008; ESP Exome Variant Server 0.00016.

Submissions 1 to 8 of 21:

Labcorp Genetics (formerly Invitae), Labcorp
Classification: Pathogenic for Developmental and epileptic encephalopathy, 1; Autosomal dominant nonsyndromic hearing loss 65. Last evaluated: 2025-11-03. Review status: criteria provided, single submitter. Criteria: Invitae Variant Classification Sherloc (09022015). Collection method: clinical testing. Allele origin: germline.
Comment: This sequence change creates a premature translational stop signal (p.His336Glnfs*12) in the TBC1D24 gene. It is expected to result in an absent or disrupted protein product. Loss-of-function variants in TBC1D24 are known to be pathogenic (PMID: 23526554, 24291220). This variant is present in population databases (rs398122967, gnomAD 0.02%). This premature translational stop signal has been observed in individual(s) with autosomal recessive DOORS syndrome or with early-onset epileptic encephalopathy (PMID: 24291220, 25557349). ClinVar contains an entry for this variant (Variation ID: 91398). For these reasons, this variant has been classified as Pathogenic.

Rady Children's Institute for Genomic Medicine, Rady Children's Hospital San Diego
Classification: Pathogenic for TBC1D24-related disorders. Last evaluated: 2025-10-23. Review status: criteria provided, single submitter. Criteria: ACMG Guidelines, 2015. Collection method: clinical testing. Allele origin: germline. Affected: yes.
Comment: This frameshift variant in exon 4 of 8 is predicted to result in loss of normal protein function through either protein truncation or nonsense-mediated mRNA decay. Loss-of-function variation in TBC1D24 is an established mechanism of autosomal recessive TBC1D24-related disorders (PMID: 25719194). This variant has been previously reported as a homozygous and compound heterozygous change in patients with TBC1D24-related disorders (PMID: 24291220, 25557349, 27652284). The c.1008del (p.His336GlnfsTer12) variant is present in the latest version of the gnomAD population database at an allele frequency of 0.006% (109/1611114) and is absent in the homozygous state, and thus is presumed to be rare. Based on the available evidence, c.1008del (p.His336GlnfsTer12) is classified as Pathogenic.

Variantyx, Inc.
Classification: Pathogenic for DOORS syndrome. Last evaluated: 2025-10-10. Review status: criteria provided, single submitter. Criteria: Variantyx Assertion Criteria 2022. Collection method: clinical testing. Allele origin: germline. Inheritance: Autosomal recessive inheritance. Affected: yes.
Comment: This is a frameshift variant in the TBC1D24 gene (OMIM: 613577). Pathogenic variants in this gene have been associated with autosomal recessive DOORS syndrome. This variant introduces a premature termination codon in exon 4 out of 8 and is expected to result in loss of function, which is a known disease mechanism for TBC1D24 in this disorder (PMID: 33619735, 25557349) (PVS1). This variant has been identified in the homozygous or compound heterozygous state in at least 2 individuals reported in the published literature (PMID: 33619735, 25557349) (PM3), and it has a 0.0090% maximum allele frequency in non-founder control populations (PM2). Based on the current evidence, this variant is classified as pathogenic for autosomal recessive DOORS syndrome.

Genetics Laboratory, Great Ormond Street Hospital NHS Foundation Trust, North Thames Genomic Laboratory Hub
Classification: Pathogenic for Monogenic hearing loss. Last evaluated: 2025-09-26. Review status: criteria provided, single submitter. Criteria: ACGS Best Practice Guidelines for Variant Classification in Rare Disease 2024 v1.2. Collection method: clinical testing. Allele origin: germline. Affected: yes.
Comment: PM2_moderate, PVS1_very-strong

PreventionGenetics, part of Exact Sciences
Classification: Pathogenic for TBC1D24-related condition. Last evaluated: 2025-02-27. Review status: criteria provided, single submitter. Criteria: ACMG Guidelines, 2015. Collection method: clinical testing. Allele origin: germline.
Comment: The TBC1D24 c.1008delT variant is predicted to result in a frameshift and premature protein termination (p.His336Glnfs*12). This variant has been reported in the compound heterozygous state in individuals with deafness, onychodystrophy, osteodystrophy, intellectual disability, and seizures (DOORS) syndrome or with early-onset epileptic encephalopathy (Campeau et al. 2014. PubMed ID: 24291220; Stražišar et al. 2014. PubMed ID: 25557349; Table S7, Hamdan et al. 2017. PubMed ID: 29100083; Table S1, Brunet et al. 2021. PubMed ID: 33619735). To our knowledge, this variant has not been reported to cause autosomal dominant disease, and it was documented in the heterozygous state in at least one unaffected individual (Table S4, Quaio et al. 2022. PubMed ID: 36147510). This variant is reported in 0.015% of alleles in individuals of European (Non-Finnish) descent in gnomAD. Frameshift variants in TBC1D24 are expected to be pathogenic for autosomal recessive disease. This variant is interpreted as pathogenic.

3billion
Classification: Pathogenic for DOORS syndrome. Last evaluated: 2024-10-23. Review status: criteria provided, single submitter. Criteria: ACMG Guidelines, 2015. Collection method: clinical testing. Allele origin: germline. Affected: yes.
Comment: The variant is observed at an extremely low frequency in the gnomAD v4.1.0 dataset (total allele frequency: 0.007%). Predicted Consequence/Location: Frameshift: predicted to result in a loss or disruption of normal protein function through nonsense-mediated decay (NMD) or protein truncation. Multiple pathogenic variants are reported downstream of the variant. The variant has been reported at least twice as pathogenic with clinical assertions and evidence for the classification (ClinVar ID: VCV000091398 /PMID: 24291220). Therefore, this variant is classified as Pathogenic according to the recommendation of ACMG/AMP guideline.

Women's Health and Genetics/Laboratory Corporation of America, LabCorp
Classification: Pathogenic for TBC1D24-Related Disorders. Last evaluated: 2024-06-05. Review status: criteria provided, single submitter. Criteria: LabCorp Variant Classification Summary - May 2015. Collection method: clinical testing. Allele origin: germline.
Comment: Variant summary: TBC1D24 c.1008delT (p.His336GlnfsX12) results in a premature termination codon, predicted to cause absence of the protein due to nonsense mediated decay, which is a commonly known mechanism for disease. The variant allele was found at a frequency of 7.4e-05 in 243538 control chromosomes. This frequency is not significantly higher than estimated for a pathogenic variant in TBC1D24 causing TBC1D24-Related Disorders, allowing no conclusion about variant significance. c.1008delT has been reported in the literature in individuals affected with Early-onset epileptic encephalopathy with hearing loss (Strazisar_2015). These data indicate that the variant may be associated with disease. To our knowledge, no experimental evidence demonstrating an impact on protein function has been reported. The following publication has been ascertained in the context of this evaluation (PMID: 25557349). ClinVar contains an entry for this variant (Variation ID: 91398). Based on the evidence outlined above, the variant was classified as pathogenic.

Blueprint Genetics
Classification: Pathogenic for TBC1D24-related disorders. Last evaluated: 2024-04-25. Review status: criteria provided, single submitter. Criteria: ACMG Guidelines, 2015. Collection method: clinical testing. Allele origin: germline. Affected: yes. Observed: 5 variant alleles.